The following is an entry in ClinVar:

NM_000059.4(BRCA2):c.322A>C (p.Asn108His)

Gene: BRCA2 (BRCA2 DNA repair associated; plus strand). Cytogenetic location: 13q13.1.
Variant type: single nucleotide variant.
Coding change: c.322A>C on transcript NM_000059.4 (MANE Select); coding-DNA position 322, A replaced by C.
Protein change: p.Asn108His; replaces asparagine 108 with histidine.
Molecular consequence: missense variant.
Genome position (GRCh38, 1-based): chr13:32,325,081, A>C. VCF-style: chr13-32325081-A-C. GRCh37 (hg19) VCF-style: chr13-32899218-A-C.
Other names: p.N108H:AAT>CAT; NP_000050.3:p.Asn108His; short protein forms N108H.
Identifiers: ClinVar variation 51428 (VCV000051428.93), dbSNP rs80358567, ClinGen allele CA017596.
Genomic context (GRCh38, chr13:32,325,081, plus strand): 5'-GCAAATTTATAATCCAGAGTATATACATTCTCACTGAATTATTGTACTGTTTCAGGAAGG[A>C]ATGTTCCCAATAGTAGACATAAAAGTCTTCGCACAGTGAAAACTAAAATGGATCAAGCAG-3'
Protein context (NP_000050.3, residues 98-118): LDKFKLDLGR[Asn108His]VPNSRHKSLR

ClinVar aggregate classification (germline): Benign. Review status: reviewed by expert panel (3 of 4 stars). 21 submissions from 21 submitters: Benign (1). 20 of the submissions do not count toward it. Last evaluated 2019-06-18.

Conditions:
BRCA2-related disorder. Also called: BRCA2-related condition; BRCA2-related disorders. Identifiers: MedGen CN239275.
Hereditary cancer-predisposing syndrome. Also called: Hereditary Cancer Syndrome; Neoplastic Syndromes, Hereditary; Hereditary neoplastic syndrome; Tumor predisposition. Identifiers: Orphanet 140162, MedGen C0027672, MeSH D009386, MONDO:0015356.
Familial cancer of breast. Also called: hereditary breast carcinoma; BREAST CANCER, FAMILIAL; Hereditary breast cancer. Identifiers: Orphanet 227535, MedGen C0346153, MONDO:0016419, OMIM 114480. Disease mechanism: loss of function.
Breast-ovarian cancer, familial, susceptibility to, 2 (BROVCA2). Also called: BRCA2 Hereditary Breast and Ovarian Cancer. Identifiers: Orphanet 145, MedGen C2675520, MONDO:0012933, OMIM 612555. Disease mechanism: loss of function.
Hereditary breast ovarian cancer syndrome. Also called: Hereditary breast and ovarian cancer syndrome; Breast and ovarian cancer; BRCA1- and BRCA2-Associated Hereditary Breast and Ovarian Cancer; Hereditary breast and/or ovarian cancer syndrome; Hereditary breast and ovarian cancer; Hereditary breast and ovarian cancer syndrome (HBOC). Identifiers: Orphanet 145, MedGen C0677776, MeSH D061325, MONDO:0003582. Disease mechanism: loss of function.

Allele frequency attached by ClinVar (database versions not stated): gnomAD exomes 0.00002 and 0.00007; ExAC 0.00008; 1000 Genomes Project 30x 0.00016; 1000 Genomes Project 0.00020; gnomAD 0.00033 and 0.00034; TOPMed 0.00034; ESP Exome Variant Server 0.00046.
gnomAD v4.1: 81 of 1,574,284 alleles (0.0051%); highest among the groups gnomAD compares: African/African-American, 0.1%; no homozygotes.

Submissions (21):

Evidence-based Network for the Interpretation of Germline Mutant Alleles (ENIGMA)
Classification: Benign for Breast-ovarian cancer, familial, susceptibility to, 2. Last evaluated: 2019-06-18. Review status: reviewed by expert panel. Criteria: ENIGMA BRCA1/2 Classification Criteria (2017-06-29). Collection method: curation. Allele origin: germline.
Comment: Variant allele has low bioinformatic likelihood to encode a missense alteration affecting protein function (Missense prior probability 0.02), AND low bioinformatic likelihood to alter mRNA splicing (splicing prior 0.02), AND minor allele frequency 0.00136 (African), derived from gnomAD v2.1.1 non-cancer (2019-05-13).

PreventionGenetics, part of Exact Sciences
Classification: Benign for BRCA2-related condition. Last evaluated: 2026-03-23. Review status: criteria provided, single submitter. Criteria: ACMG Guidelines, 2015. Collection method: clinical testing. Allele origin: germline. Not counted in ClinVar's aggregate classification.
Comment: This variant is classified as benign based on ACMG/AMP sequence variant interpretation guidelines (Richards et al. 2015 PMID: 25741868, with internal and published modifications).

Labcorp Genetics (formerly Invitae), Labcorp
Classification: Benign for Hereditary breast ovarian cancer syndrome. Last evaluated: 2026-01-26. Review status: criteria provided, single submitter. Criteria: Invitae Variant Classification Sherloc (09022015). Collection method: clinical testing. Allele origin: germline. Not counted in ClinVar's aggregate classification.

Center for Genomic Medicine, Rigshospitalet, Copenhagen University Hospital
Classification: Benign. Last evaluated: 2025-12-29. Review status: criteria provided, single submitter. Criteria: ACMG Guidelines, 2015. Collection method: clinical testing. Allele origin: germline. Not counted in ClinVar's aggregate classification.
Comment: Classification criteria: BP1_Strong, BS1

Dasa
Classification: Likely benign for Breast-ovarian cancer, familial, susceptibility to, 2. Last evaluated: 2025-12-19. Review status: criteria provided, single submitter. Criteria: DASA Assertion Criteria. Collection method: clinical testing. Allele origin: germline. Not counted in ClinVar's aggregate classification.
Comment: NM_000059.4(BRCA2):c.322A>C (p.Asn108His) is interpreted based on available population and clinical evidence, including population frequency and no convincing observation in affected individuals. Based on the available data, this variant is classified as likely benign.

Quest Diagnostics Nichols Institute San Juan Capistrano
Classification: Likely benign. Last evaluated: 2025-07-17. Review status: criteria provided, single submitter. Criteria: Quest Diagnostics criteria. Collection method: clinical testing. Allele origin: unknown. Not counted in ClinVar's aggregate classification.

ARUP Laboratories, Molecular Genetics and Genomics, ARUP Laboratories
Classification: Benign. Last evaluated: 2025-02-12. Review status: criteria provided, single submitter. Criteria: ARUP Molecular Germline Variant Investigation Process 2024. Collection method: clinical testing. Allele origin: germline. Not counted in ClinVar's aggregate classification.

Mendelics
Classification: Benign for Breast-ovarian cancer, familial, susceptibility to, 2. Last evaluated: 2023-02-27. Review status: criteria provided, single submitter. Criteria: Mendelics Assertion Criteria 2019. Collection method: clinical testing. Allele origin: germline. Not counted in ClinVar's aggregate classification.

Blueprint Genetics
Classification: Likely benign. Last evaluated: 2023-01-04. Review status: criteria provided, single submitter. Criteria: ACMG Guidelines, 2015. Collection method: clinical testing. Allele origin: germline. Not counted in ClinVar's aggregate classification.

National Health Laboratory Service, Universitas Academic Hospital and University of the Free State
Classification: Likely benign for Hereditary breast ovarian cancer syndrome. Last evaluated: 2021-11-16. Review status: criteria provided, single submitter. Criteria: ACMG Guidelines, 2015. Collection method: clinical testing. Allele origin: germline. Affected: yes. Observed: 2 variant alleles. Not counted in ClinVar's aggregate classification.

Genetics Program, Instituto Nacional de Cancer
Classification: Likely benign for Hereditary breast ovarian cancer syndrome. Last evaluated: 2021-11-01. Review status: criteria provided, single submitter. Criteria: ACMG Guidelines, 2015. Collection method: research. Allele origin: germline. Affected: yes. Not counted in ClinVar's aggregate classification.

Women's Health and Genetics/Laboratory Corporation of America, LabCorp
Classification: Benign. Last evaluated: 2021-10-14. Review status: criteria provided, single submitter. Criteria: LabCorp Variant Classification Summary - May 2015. Collection method: clinical testing. Allele origin: germline. Not counted in ClinVar's aggregate classification.
Comment: Variant summary: BRCA2 c.322A>C (p.Asn108His) results in a conservative amino acid change in the encoded protein sequence. Five of five in-silico tools predict a benign effect of the variant on protein function. The variant allele was found at a frequency of 7.2e-05 in 251048 control chromosomes, predominantly at a frequency of 0.001 within the African or African-American subpopulation in the gnomAD database. The observed variant frequency within African or African-American control individuals in the gnomAD database is approximately 1.3 fold of the estimated maximal expected allele frequency for a pathogenic variant in BRCA2 causing Hereditary Breast And Ovarian Cancer Syndrome phenotype (0.00075), strongly suggesting that the variant is a benign polymorphism found primarily in populations of African or African-American origin. c.322A>C has been reported in the literature in individuals affected with Hereditary Breast And Ovarian Cancer Syndrome (example, Wagner_1999, Gao_2000, Diez_2003, Nanda_2005, Lu_2012). These reports do not provide unequivocal conclusions about association of the variant with Hereditary Breast And Ovarian Cancer Syndrome. To our knowledge, no experimental evidence demonstrating an impact on protein function has been reported. Co-occurrences with pathogenic variants have been observed via internal testing [BRCA1 c.3748G>T, p.Glu1250X; BRCA1 c.(4185+1_4186-1)_(4357+1_4358-1)dup], providing supporting evidence for a benign role. Nine submitters have submitted clinical-significance assessments for this variant to ClinVar after 2014. Five ClinVar submitters have cited the variant as likely benign, 2 submitters have cited it as variant of unknown significance and 2 submitters (including an expert panel, ENIGMA) have cited is as benign. Based on the evidence outlined above, the variant was classified as benign.

Department of Pathology and Laboratory Medicine, Sinai Health System
Classification: Likely benign for Familial cancer of breast; Breast-ovarian cancer, familial, susceptibility to, 2. Last evaluated: 2021-03-22. Review status: criteria provided, single submitter. Criteria: ACMG Guidelines, 2015. Collection method: clinical testing. Allele origin: germline. Affected: yes. Not counted in ClinVar's aggregate classification.

Sema4
Classification: Likely benign for Hereditary cancer-predisposing syndrome. Last evaluated: 2020-11-02. Review status: criteria provided, single submitter. Criteria: Sema4 Curation Guidelines. Collection method: curation. Allele origin: germline. Not counted in ClinVar's aggregate classification.

GeneDx
Classification: Likely benign. Last evaluated: 2020-08-23. Review status: criteria provided, single submitter. Criteria: GeneDx Variant Classification Process June 2021. Collection method: clinical testing. Allele origin: germline. Affected: yes. Not counted in ClinVar's aggregate classification.
Comment: This variant is associated with the following publications: (PMID: 12491487, 11030417, 23231788, 12955716, 16234499, 9971877, 22476429, 26580448)

Ambry Genetics
Classification: Likely benign for Hereditary cancer-predisposing syndrome. Last evaluated: 2020-05-13. Review status: criteria provided, single submitter. Criteria: Ambry Variant Classification Scheme 2023. Collection method: clinical testing. Allele origin: germline. Not counted in ClinVar's aggregate classification.

Color Diagnostics, LLC DBA Color Health
Classification: Likely benign for Hereditary cancer-predisposing syndrome. Last evaluated: 2016-06-30. Review status: criteria provided, single submitter. Criteria: ACMG Guidelines, 2015. Collection method: clinical testing. Allele origin: germline. Not counted in ClinVar's aggregate classification.

Eurofins Ntd Llc (ga)
Classification: Uncertain significance. Last evaluated: 2014-11-13. Review status: criteria provided, single submitter. Criteria: EGL Classification Definitions 2015. Collection method: clinical testing. Allele origin: germline. Not counted in ClinVar's aggregate classification.

Breakthrough Genomics
Classification: Benign. Review status: criteria provided, single submitter. Criteria: ACMG Guidelines, 2015. Collection method: not provided. Allele origin: germline. Inheritance: Autosomal recessive inheritance. Affected: yes. Not counted in ClinVar's aggregate classification.

Counsyl
Classification: Uncertain significance for Breast-ovarian cancer, familial, susceptibility to, 2. Last evaluated: 2016-07-07. Review status: no assertion criteria provided. Collection method: clinical testing. Allele origin: unknown. Not counted in ClinVar's aggregate classification.

Breast Cancer Information Core (BIC) (BRCA2)
Classification: Uncertain significance for Breast-ovarian cancer, familial 2. Last evaluated: 2004-02-20. Review status: no assertion criteria provided. Collection method: clinical testing. Allele origin: germline. Affected: yes. Observed: 4 variant alleles. Not counted in ClinVar's aggregate classification.

Literature cited by the submitters: PubMed 23231788 (cited by 5 submitters); PubMed 22476429 (cited by 5 submitters); PubMed 9971877 (cited by 4 submitters); PubMed 12955716 (cited by 5 submitters); PubMed 11030417 (cited by 4 submitters); PubMed 12491487 (cited by 4 submitters); PubMed 16234499 (cited by 4 submitters); PubMed 31131967 (cited by 3 submitters); PubMed 36329109 (cited by Quest Diagnostics Nichols Institute San Juan Capistrano and Genetics Program, Instituto Nacional de Cancer); DOI 10.3389/fgene.2022.834265 (cited by National Health Laboratory Service, Universitas Academic Hospital and University of the Free State); PubMed 10453741 (cited by Women's Health and Genetics/Laboratory Corporation of America, LabCorp); PubMed 26580448 (cited by Women's Health and Genetics/Laboratory Corporation of America, LabCorp and Department of Pathology and Laboratory Medicine, Sinai Health System).